The following is an entry in ClinVar:

NM_152730.6(TBC1D32):c.2978A>C (p.Tyr993Ser)

Gene: TBC1D32 (TBC1 domain family member 32; minus strand). Cytogenetic location: 6q22.31.
Variant type: single nucleotide variant.
Coding change: c.2978A>C on transcript NM_152730.6 (MANE Select); coding-DNA position 2978, A replaced by C.
Protein change: p.Tyr993Ser; replaces tyrosine 993 with serine.
Molecular consequence: missense variant. On other transcripts: non-coding transcript variant (1).
Genome position (GRCh38, 1-based): chr6:121,126,383, T>G on the plus strand (A>C on the coding strand, the complement: TBC1D32 is on the minus strand). VCF-style: chr6-121126383-T-G. GRCh37 (hg19) VCF-style: chr6-121447529-T-G.
Other names: c.3101A>C, p.Tyr1034Ser (NM_001367759.1, NM_001367760.1); short protein forms Y993S, Y1034S.
Identifiers: ClinVar variation 1932446 (VCV001932446.5), dbSNP rs759423143, ClinGen allele CA3980600.

ClinVar aggregate classification (germline): Uncertain significance (1 of 4 stars; one submission).

gnomAD v4.1: 18 of 1,610,220 alleles (0.0011%); highest among the groups gnomAD compares: Middle Eastern, 0.017%; no homozygotes.

Submission:

Labcorp Genetics (formerly Invitae), Labcorp
Classification: Uncertain significance. Last evaluated: 2024-02-24. Review status: criteria provided, single submitter. Criteria: Invitae Variant Classification Sherloc (09022015). Collection method: clinical testing. Allele origin: germline.
Comment: This sequence change replaces tyrosine, which is neutral and polar, with serine, which is neutral and polar, at codon 993 of the TBC1D32 protein (p.Tyr993Ser). This variant is present in population databases (rs759423143, gnomAD 0.003%). This variant has not been reported in the literature in individuals affected with TBC1D32-related conditions. ClinVar contains an entry for this variant (Variation ID: 1932446). An algorithm developed to predict the effect of missense changes on protein structure and function (PolyPhen-2) suggests that this variant is likely to be tolerated. In summary, the available evidence is currently insufficient to determine the role of this variant in disease. Therefore, it has been classified as a Variant of Uncertain Significance.